The following is an entry in ClinVar:

ClinVar aggregate classification (germline): Pathogenic. Review status: criteria provided, multiple submitters, no conflicts (2 of 4 stars). 2 submissions from 2 submitters: Pathogenic (2). Last evaluated 2024-07-11.

Conditions:
KBG syndrome (KBGS). Also called: ANKRD11-Related KBG Syndrome. Identifiers: Orphanet 2332, MedGen C0220687, MONDO:0007846, OMIM 148050.

Submissions (2):

Genetics Laboratory, UDIAT-Centre Diagnòstic, Hospital Universitari Parc Tauli
Classification: Pathogenic for KBG syndrome. Last evaluated: 2024-07-11. Review status: criteria provided, single submitter. Criteria: ACMG Guidelines, 2015. Collection method: clinical testing. Allele origin: unknown. Inheritance: Autosomal dominant inheritance. Affected: yes.
Comment: PVS1_very strong;PM2_supporting;PM6_moderate

GeneDx
Classification: Pathogenic. Last evaluated: 2021-04-15. Review status: criteria provided, single submitter. Criteria: GeneDx Variant Classification Process June 2021. Collection method: clinical testing. Allele origin: germline. Affected: yes.
Comment: Canonical splice site variant expected to result in aberrant splicing, although in the absence of functional evidence the actual effect of this sequence change is unknown.; Has not been previously published as pathogenic or benign to our knowledge

NM_013275.6(ANKRD11):c.7570-1G>A

Gene: ANKRD11 (ankyrin repeat domain 11; minus strand). Cytogenetic location: 16q24.3.
Variant type: single nucleotide variant.
Coding change: c.7570-1G>A on transcript NM_013275.6 (MANE Select); the canonical splice acceptor site of the intron before coding-DNA position 7570, G replaced by A.
Molecular consequence: splice acceptor variant.
Genome position (GRCh38, 1-based): chr16:89,274,958, C>T on the plus strand (G>A on the coding strand, the complement: ANKRD11 is on the minus strand). VCF-style: chr16-89274958-C-T. GRCh37 (hg19) VCF-style: chr16-89341366-C-T.
Other names: c.7570-1G>A (NM_001256183.2, NM_001256182.2).
Identifiers: ClinVar variation 379890 (VCV000379890.4), dbSNP rs863223319, ClinGen allele CA16607487.